The following is an entry in ClinVar:

ClinVar aggregate classification (germline): Likely pathogenic. Review status: criteria provided, single submitter (1 of 4 stars). 2 submissions from 2 submitters: Likely pathogenic (1). 1 of the submissions does not count toward it. Last evaluated 2025-04-30.

Conditions:
Anaphylotoxin inactivator deficiency (CPND). Also called: Deficiency of carboxypeptidase B; Carboxypeptidase N deficiency. Identifiers: MedGen C0398782, MONDO:0008910, OMIM 212070.

gnomAD v4.1: 159 of 1,614,000 alleles (0.0099%); highest among the groups gnomAD compares: Middle Eastern, 0.36%; 1 homozygote.

Submissions (2):

First Genomix Gene Laboratory, Genetic Diagnostics Department
Classification: Likely pathogenic for Anaphylotoxin inactivator deficiency. Last evaluated: 2025-04-30. Review status: criteria provided, single submitter. Criteria: ACMG Guidelines, 2015. Collection method: clinical testing. Allele origin: germline. Inheritance: Autosomal recessive inheritance. Affected: no. Observed: 1 variant allele.

OMIM
Classification: Pathogenic for CARBOXYPEPTIDASE N DEFICIENCY. Last evaluated: 2024-09-23. Review status: no assertion criteria provided. Collection method: literature only. Allele origin: germline. Not counted in ClinVar's aggregate classification.

Literature cited by the submitters: PubMed 38445235 (cited by OMIM).

NM_001308.3(CPN1):c.734C>T (p.Thr245Met)

Gene: CPN1 (carboxypeptidase N subunit 1; minus strand). Cytogenetic location: 10q24.2.
Variant type: single nucleotide variant.
Coding change: c.734C>T on transcript NM_001308.3 (MANE Select); coding-DNA position 734, C replaced by T.
Protein change: p.Thr245Met; replaces threonine 245 with methionine.
Molecular consequence: missense variant.
Genome position (GRCh38, 1-based): chr10:100,065,213, G>A on the plus strand (C>T on the coding strand, the complement: CPN1 is on the minus strand). VCF-style: chr10-100065213-G-A. GRCh37 (hg19) VCF-style: chr10-101824970-G-A.
Other names: T245M.
Identifiers: ClinVar variation 3340540 (VCV003340540.2).
Genomic context (GRCh38, chr10:100,065,213, plus strand): 5'-GTTCCCCTGGCGGGACAAGCTGCTTCTCCACATACCTTCTGGAAGAGCTTGTCGTCAGGC[G>A]TGGGGGTGCTGGCGGTGCGGCGGACCCCTCGGACCCGGTGCTCAAAGGACTTGTCATACG-3'
Protein context (NP_001299.1, residues 235-255): RGVRRTASTP[Thr245Met]PDDKLFQKLA